The following is an entry in ClinVar:

NM_000128.4(F11):c.301_307dup (p.Cys103Ter)

Gene: F11 (coagulation factor XI; plus strand). Cytogenetic location: 4q35.2.
Variant type: Duplication.
Coding change: c.301_307dup on transcript NM_000128.4 (MANE Select); coding-DNA positions 301 to 307, 7 bases duplicated (AAGCAAT; older notation c.301_307dupAAGCAAT).
Protein change: p.Cys103Ter; replaces cysteine 103 with a stop codon.
Molecular consequence: nonsense.
Genome position (GRCh38, 1-based): chr4:186,273,153-186,273,159, AAGCAAT duplicated. VCF-style (leftmost placement, unchanged base first): chr4-186273152-C-CAAGCAAT. GRCh37 (hg19) VCF-style: chr4-187194306-C-CAAGCAAT.
Other names: c.301_307dup, p.Cys103Ter (NM_001354804.2); c.301_307dup (NM_000128.3); short protein forms C103*.
Identifiers: ClinVar variation 1069204 (VCV001069204.9), dbSNP rs1740105027, ClinGen allele CA1519932804.

ClinVar aggregate classification (germline): Pathogenic/Likely pathogenic. Review status: criteria provided, multiple submitters, no conflicts (2 of 4 stars). 2 submissions from 2 submitters: Pathogenic (1); Likely pathogenic (1). Last evaluated 2025-08-13.

Conditions:
Plasma factor XI deficiency.

Allele frequency attached by ClinVar (database versions not stated): TOPMed below 0.00001.

Submissions (2):

Natera, Inc.
Classification: Likely pathogenic for Plasma factor XI deficiency. Last evaluated: 2025-08-13. Review status: criteria provided, single submitter. Criteria: Natera Variant Classification Schema (03/2026). Collection method: clinical testing. Allele origin: germline.
Comment: The c.301_307dup variant in F11 is a frameshift variant predicted to shift the reading frame and introduce a stop codon. This variant is expected to result in nonsense mediated decay, truncation, or a dysfunctional protein product. This variant is rare in the general population with a frequency below the threshold expected for the associated phenotype(s). Given the available evidence, this variant is classified as Likely Pathogenic.

Labcorp Genetics (formerly Invitae), Labcorp
Classification: Pathogenic. Last evaluated: 2024-02-24. Review status: criteria provided, single submitter. Criteria: Invitae Variant Classification Sherloc (09022015). Collection method: clinical testing. Allele origin: germline.
Comment: This sequence change creates a premature translational stop signal (p.Cys103*) in the F11 gene. It is expected to result in an absent or disrupted protein product. Loss-of-function variants in F11 are known to be pathogenic (PMID: 23929304). This variant is not present in population databases (gnomAD no frequency). This premature translational stop signal has been observed in individual(s) with Factor XI deficiency (PMID: 11127865). This variant is also known as c.307insAAGCAAT (Cys85*). ClinVar contains an entry for this variant (Variation ID: 1069204). For these reasons, this variant has been classified as Pathogenic.

Literature cited by the submitters: PubMed 23929304 (cited by Labcorp Genetics (formerly Invitae), Labcorp); PubMed 11127865 (cited by Labcorp Genetics (formerly Invitae), Labcorp).